The following is an entry in ClinVar:

ClinVar aggregate classification (germline): Uncertain significance. Review status: criteria provided, multiple submitters, no conflicts (2 of 4 stars). 2 submissions from 2 submitters: Uncertain significance (2). Last evaluated 2025-06-09.

Conditions:
Neurofibromatosis, type 2 (SWNV). Also called: BILATERAL ACOUSTIC NEUROFIBROMATOSIS; SCHWANNOMATOSIS, VESTIBULAR; NF2-Related Schwannomatosis. Identifiers: Orphanet 637, MedGen C0027832, MONDO:0007039, OMIM 101000. Disease mechanism: loss of function.

Submissions (2):

Color Diagnostics, LLC DBA Color Health
Classification: Uncertain significance for Neurofibromatosis, type 2. Last evaluated: 2025-06-09. Review status: criteria provided, single submitter. Criteria: ACMG Guidelines, 2015. Collection method: clinical testing. Allele origin: germline.
Comment: This missense variant replaces phenylalanine with leucine at codon 307 of the NF2 protein. Computational prediction suggests that this variant may have deleterious impact on protein structure and function. To our knowledge, functional studies have not been reported for this variant. This variant has not been reported in individuals affected with NF2-related disorders in the literature. This variant has not been identified in the general population by the Genome Aggregation Database (gnomAD). The available evidence is insufficient to determine the role of this variant in disease conclusively. Therefore, this variant is classified as a Variant of Uncertain Significance.

Labcorp Genetics (formerly Invitae), Labcorp
Classification: Uncertain significance for Neurofibromatosis, type 2. Last evaluated: 2023-06-14. Review status: criteria provided, single submitter. Criteria: Invitae Variant Classification Sherloc (09022015). Collection method: clinical testing. Allele origin: germline.
Comment: Advanced modeling of protein sequence and biophysical properties (such as structural, functional, and spatial information, amino acid conservation, physicochemical variation, residue mobility, and thermodynamic stability) performed at Invitae indicates that this missense variant is expected to disrupt NF2 protein function. This variant has not been reported in the literature in individuals affected with NF2-related conditions. This variant is not present in population databases (gnomAD no frequency). This sequence change replaces phenylalanine, which is neutral and non-polar, with leucine, which is neutral and non-polar, at codon 307 of the NF2 protein (p.Phe307Leu). In summary, the available evidence is currently insufficient to determine the role of this variant in disease. Therefore, it has been classified as a Variant of Uncertain Significance.

NM_000268.4(NF2):c.919T>C (p.Phe307Leu)

Gene: NF2 (NF2, moesin-ezrin-radixin like (MERLIN) tumor suppressor; plus strand). Cytogenetic location: 22q12.2.
Variant type: single nucleotide variant.
Coding change: c.919T>C on transcript NM_000268.4 (MANE Select); coding-DNA position 919, T replaced by C.
Protein change: p.Phe307Leu; replaces phenylalanine 307 with leucine.
Molecular consequence: missense variant. On other transcripts: non-coding transcript variant (1), intron variant (1).
Genome position (GRCh38, 1-based): chr22:29,668,366, T>C. VCF-style: chr22-29668366-T-C. GRCh37 (hg19) VCF-style: chr22-30064355-T-C.
Other names: c.805T>C, p.Phe269Leu (NM_001407053.1, NM_001407056.1); c.796T>C, p.Phe266Leu (NM_001407054.1, NM_001407058.1, NM_181829.3); c.793T>C, p.Phe265Leu (NM_001407055.1, NM_181828.3); c.784T>C, p.Phe262Leu (NM_001407057.1, NM_001407059.1); c.919T>C, p.Phe307Leu (NM_001407060.1, NM_001407066.1, NM_016418.5 and 2 more transcripts); c.661T>C, p.Phe221Leu (NM_001407062.1); c.670T>C, p.Phe224Leu (NM_001407063.1, NM_001407064.1, NM_181830.3 and 1 more transcripts); c.385T>C, p.Phe129Leu (NM_001407065.1); and 2 more; short protein forms F221L, F230L, F266L, F307L, F262L, F265L, F129L, F269L.
Identifiers: ClinVar variation 2713613 (VCV002713613.4), dbSNP rs2518645431, ClinGen allele CA411145695.
Genomic context (GRCh38, chr22:29,668,366, plus strand): 5'-CCTTTTTGTCTGCTTCTGTGGCCACAGATTCTCCAGCTATGTATCGGGAACCATGATCTA[T>C]TTATGAGGAGAAGGAAAGCCGATTCTTTGGAAGTTCAGCAGATGAAAGCCCAGGCCAGGG-3'
Protein context (NP_000259.1, residues 297-317): LQLCIGNHDL[Phe307Leu]MRRRKADSLE